The following is an entry in ClinVar:

ClinVar aggregate classification (germline): Uncertain significance (1 of 4 stars; one submission).

Conditions:
SEMA3E-related disorder. Also called: SEMA3E-related condition.

Allele frequency attached by ClinVar (database versions not stated): gnomAD exomes below 0.00001.
gnomAD v4.1: 2 of 1,611,280 alleles (0.00012%); highest among the groups gnomAD compares: East Asian, 0.0022%; no homozygotes.

Submission:

PreventionGenetics, part of Exact Sciences
Classification: Uncertain significance for SEMA3E-related condition. Last evaluated: 2024-11-11. Review status: criteria provided, single submitter. Criteria: ACMG Guidelines, 2015. Collection method: clinical testing. Allele origin: germline.
Comment: The SEMA3E c.302A>C variant is predicted to result in the amino acid substitution p.Lys101Thr. To our knowledge, this variant has not been reported in the literature or in a large population database, indicating this variant is rare. At this time, the clinical significance of this variant is uncertain due to the absence of conclusive functional and genetic evidence.

NM_012431.3(SEMA3E):c.302A>C (p.Lys101Thr)

Gene: SEMA3E (semaphorin 3E; minus strand). Cytogenetic location: 7q21.11.
Variant type: single nucleotide variant.
Coding change: c.302A>C on transcript NM_012431.3 (MANE Select); coding-DNA position 302, A replaced by C.
Protein change: p.Lys101Thr; replaces lysine 101 with threonine.
Molecular consequence: missense variant.
Genome position (GRCh38, 1-based): chr7:83,469,277, T>G on the plus strand (A>C on the coding strand, the complement: SEMA3E is on the minus strand). VCF-style: chr7-83469277-T-G. GRCh37 (hg19) VCF-style: chr7-83098593-T-G.
Other names: c.122A>C, p.Lys41Thr (NM_001178129.2); short protein forms K101T, K41T.
Identifiers: ClinVar variation 3047069 (VCV003047069.3), dbSNP rs2484444345, ClinGen allele CA367936154.
Genomic context (GRCh38, chr7:83,469,277, plus strand): 5'-TTTAATTTACAATGAATCATACTTACCGCATCTTTTCCCTTCATTATGCATTCTTCCATT[T>G]TTAGAGCTGTACTCGGCCAGTGTATCTAAAATAAAAGATAATGTACTATTATGACAACTG-3'
Protein context (NP_036563.1, residues 91-111): KEIHWPSTAL[Lys101Thr]MEECIMKGKD